The following is an entry in ClinVar:

ClinVar aggregate classification (germline): Likely pathogenic. Review status: criteria provided, multiple submitters, no conflicts (2 of 4 stars). 3 submissions from 3 submitters: Likely pathogenic (3). Last evaluated 2026-01-14.

Conditions:
CFTR-related disorder (CFTR-RD). Also called: CFTR-related disorders; CFTR-related condition. Identifiers: MedGen C5924204, MONDO:7770004.
Cystic fibrosis (CF). Also called: MUCOVISCIDOSIS. Identifiers: Orphanet 586, MedGen C0010674, MONDO:0009061, OMIM 219700. Disease mechanism: loss of function.

Allele frequency attached by ClinVar (database versions not stated): gnomAD exomes below 0.00001.
gnomAD v4.1: 1 of 1,613,502 alleles (0.000062%); highest among the groups gnomAD compares: African/African-American, 0.0013%; no homozygotes.

Submissions (3):

Natera, Inc.
Classification: Likely pathogenic for CFTR-related disorders. Last evaluated: 2026-01-14. Review status: criteria provided, single submitter. Criteria: Natera Variant Classification Schema (03/2026). Collection method: clinical testing. Allele origin: germline.
Comment: The c.3849G>C variant in CFTR is a missense variant predicted to cause substitution of arginine to serine at amino acid 1283. This variant is rare in the general population with a frequency below the threshold expected for the associated phenotype(s). This variant has been observed in one or more individuals affected with the associated recessive disease, as either homozygous or compound heterozygous with a second variant (PMID: 10462611, 39227072). Functional studies show that this variant may disrupt protein function (PMID: 38388235). A different variant at the same position has been determined to be Pathogenic or Likely Pathogenic. Computational prediction algorithms indicate this variant is likely to affect gene or protein function. Given the available evidence, this variant is classified as Likely Pathogenic.

Women's Health and Genetics/Laboratory Corporation of America, LabCorp
Classification: Likely pathogenic for Cystic fibrosis. Last evaluated: 2025-07-25. Review status: criteria provided, single submitter. Criteria: LabCorp Variant Classification Summary - May 2015. Collection method: clinical testing. Allele origin: germline.
Comment: Variant summary: CFTR c.3849G>C (p.Arg1283Ser) results in a non-conservative amino acid change located in the ABC transporter-like, ATP-binding domain (IPR003439) of the encoded protein sequence. Algorithms developed to predict the effect of missense changes on protein structure and function all suggest that this variant is likely to be disruptive. The frequency data for this variant in gnomAD is considered unreliable, as metrics indicate poor data quality at this position. c.3849G>C has been reported in the literature as a compound heterozygous genotype in individuals with or with clinical features of Cystic Fibrosis (e.g., Wang_1997, Ridge_2013, Internal data). These data indicate that the variant may be associated with disease. At least one publication reports experimental evidence evaluating an impact on protein function. The most pronounced variant effect resulted in approximately 6% of normal chloride channel conductance relative to wild type (e.g., Bihler_2024). The following publications have been ascertained in the context of this evaluation (PMID: 23343000, 10462611, 38388235). ClinVar contains an entry for this variant (Variation ID: 971487). Based on the evidence outlined above, the variant was classified as likely pathogenic.

Labcorp Genetics (formerly Invitae), Labcorp
Classification: Likely pathogenic for Cystic fibrosis. Last evaluated: 2025-01-06. Review status: criteria provided, single submitter. Criteria: Invitae Variant Classification Sherloc (09022015). Collection method: clinical testing. Allele origin: germline.
Comment: This sequence change replaces arginine, which is basic and polar, with serine, which is neutral and polar, at codon 1283 of the CFTR protein (p.Arg1283Ser). This variant is not present in population databases (gnomAD no frequency). This missense change has been observed in individual(s) with cystic fibrosis (PMID: 10462611; internal data). ClinVar contains an entry for this variant (Variation ID: 971487). Invitae Evidence Modeling of protein sequence and biophysical properties (such as structural, functional, and spatial information, amino acid conservation, physicochemical variation, residue mobility, and thermodynamic stability) indicates that this missense variant is expected to disrupt CFTR protein function with a positive predictive value of 80%. This variant disrupts the p.Arg1283 amino acid residue in CFTR. Other variant(s) that disrupt this residue have been determined to be pathogenic (PMID: 1284468, 29805046; internal data). This suggests that this residue is clinically significant, and that variants that disrupt this residue are likely to be disease-causing. In summary, the currently available evidence indicates that the variant is pathogenic, but additional data are needed to prove that conclusively. Therefore, this variant has been classified as Likely Pathogenic.

Literature cited by the submitters: PubMed 10462611 (cited by 3 submitters); PubMed 39227072 (cited by Natera, Inc.); PubMed 38388235 (cited by Natera, Inc. and Women's Health and Genetics/Laboratory Corporation of America, LabCorp); PubMed 23343000 (cited by Women's Health and Genetics/Laboratory Corporation of America, LabCorp); PubMed 1284468 (cited by Labcorp Genetics (formerly Invitae), Labcorp); PubMed 29805046 (cited by Labcorp Genetics (formerly Invitae), Labcorp).

NM_000492.4(CFTR):c.3849G>C (p.Arg1283Ser)

Genes: CFTR (CF transmembrane conductance regulator; plus strand), CFTR-AS2 (CFTR antisense RNA 2; minus strand). Cytogenetic location: 7q31.2.
Variant type: single nucleotide variant.
Coding change: c.3849G>C on transcript NM_000492.4 (MANE Select); coding-DNA position 3849, G replaced by C.
Protein change: p.Arg1283Ser; replaces arginine 1283 with serine.
Molecular consequence: missense variant.
Genome position (GRCh38, 1-based): chr7:117,642,569, G>C. VCF-style: chr7-117642569-G-C. GRCh37 (hg19) VCF-style: chr7-117282623-G-C.
Other names: short protein forms R1283S.
Identifiers: ClinVar variation 971487 (VCV000971487.12), dbSNP rs1792935893, ClinGen allele CA368975486.